The following is an entry in ClinVar:

NM_002693.3(POLG):c.932T>C (p.Leu311Pro)

Gene: POLG (DNA polymerase gamma, catalytic subunit; minus strand). Cytogenetic location: 15q26.1.
Variant type: single nucleotide variant.
Coding change: c.932T>C on transcript NM_002693.3 (MANE Select); coding-DNA position 932, T replaced by C.
Protein change: p.Leu311Pro; replaces leucine 311 with proline.
Molecular consequence: missense variant.
Genome position (GRCh38, 1-based): chr15:89,329,034, A>G on the plus strand (T>C on the coding strand, the complement: POLG is on the minus strand). VCF-style: chr15-89329034-A-G. GRCh37 (hg19) VCF-style: chr15-89872265-A-G.
Other names: c.932T>C, p.Leu311Pro (NM_001126131.2); short protein forms L311P.
Identifiers: ClinVar variation 1766595 (VCV001766595.2), dbSNP rs2509262250, ClinGen allele CA393765738.

ClinVar aggregate classification (germline): Uncertain significance (1 of 4 stars; one submission).

Conditions:
Inborn genetic diseases. Identifiers: MedGen C0950123, MeSH D030342.

Submission:

Ambry Genetics
Classification: Uncertain significance for Inborn genetic diseases. Last evaluated: 2017-12-15. Review status: criteria provided, single submitter. Criteria: Ambry Variant Classification Scheme 2023. Collection method: clinical testing. Allele origin: germline.
Comment: The p.L311P variant (also known as c.932T>C), located in coding exon 3 of the POLG gene, results from a T to C substitution at nucleotide position 932. The leucine at codon 311 is replaced by proline, an amino acid with similar properties. This amino acid position is highly conserved in available vertebrate species. In addition, this alteration is predicted to be deleterious by in silico analysis. Since supporting evidence is limited at this time, the clinical significance of this alteration remains unclear.